The following is an entry in ClinVar:

ClinVar aggregate classification (germline): Uncertain significance. Review status: criteria provided, multiple submitters, no conflicts (2 of 4 stars). 4 submissions from 4 submitters: Uncertain significance (4). Last evaluated 2026-04-15.

Conditions:
Alstrom syndrome (ALMS). Identifiers: Orphanet 64, MedGen C0268425, MONDO:0008763, OMIM 203800.
Cardiovascular phenotype. Identifiers: MedGen CN230736.

Allele frequency attached by ClinVar (database versions not stated): gnomAD exomes 0.00003.
gnomAD v4.1: 56 of 1,613,926 alleles (0.0035%); highest among the groups gnomAD compares: Non-Finnish European, 0.0045%; no homozygotes.

Submissions (4):

Ambry Genetics
Classification: Uncertain significance for Cardiovascular phenotype. Last evaluated: 2026-04-15. Review status: criteria provided, single submitter. Criteria: Ambry Variant Classification Scheme 2023. Collection method: clinical testing. Allele origin: germline.
Comment: The p.D592V variant (also known as c.1775A>T), located in coding exon 8 of the ALMS1 gene, results from an A to T substitution at nucleotide position 1775. The aspartic acid at codon 592 is replaced by valine, an amino acid with highly dissimilar properties. This variant has been identified in conjunction with other ALMS1 variant(s) in individual(s) with features that may be consistent with Alstrom syndrome (Hendricks AE et al. Sci Rep, 2017 Jun;7:4394; Wang M et al. J Am Soc Nephrol, 2019 Sep;30:1625-1640; Ambry internal data). Note, this variant is also referred to as p.D590V in the literature. This amino acid position is well conserved in available vertebrate species. In addition, this alteration is predicted to be tolerated by in silico analysis. Based on the available evidence, the clinical significance of this variant remains unclear.

Labcorp Genetics (formerly Invitae), Labcorp
Classification: Uncertain significance for Alstrom syndrome. Last evaluated: 2026-02-03. Review status: criteria provided, single submitter. Criteria: Invitae Variant Classification Sherloc (09022015). Collection method: clinical testing. Allele origin: germline.
Comment: This sequence change replaces aspartic acid, which is acidic and polar, with valine, which is neutral and non-polar, at codon 592 of the ALMS1 protein (p.Asp592Val). This variant is present in population databases (rs541118531, gnomAD 0.007%). This missense change has been observed in individual(s) with focal segmental glomerulosclerosis (PMID: 31308072). This variant is also known as c.1769A>T (p.Asp590Val). ClinVar contains an entry for this variant (Variation ID: 1302275). Experimental studies and prediction algorithms are not available or were not evaluated, and the functional significance of this variant is currently unknown. In summary, the available evidence is currently insufficient to determine the role of this variant in disease. Therefore, it has been classified as a Variant of Uncertain Significance.

Blueprint Genetics
Classification: Uncertain significance. Last evaluated: 2023-12-29. Review status: criteria provided, single submitter. Criteria: ACMG Guidelines, 2015. Collection method: clinical testing. Allele origin: germline.

GeneDx
Classification: Uncertain significance. Last evaluated: 2019-07-03. Review status: criteria provided, single submitter. Criteria: GeneDx Variant Classification Process June 2021. Collection method: clinical testing. Allele origin: germline. Affected: yes.
Comment: Not observed at a significant frequency in large population cohorts (Lek et al., 2016); In silico analysis, which includes protein predictors and evolutionary conservation, supports a deleterious effect; Has not been previously published as pathogenic or benign to our knowledge

Literature cited by the submitters: PubMed 28663568 (cited by Ambry Genetics); PubMed 31308072 (cited by Ambry Genetics and Labcorp Genetics (formerly Invitae), Labcorp).

NM_001378454.1(ALMS1):c.1772A>T (p.Asp591Val)

Gene: ALMS1 (ALMS1 centrosome and basal body associated protein; plus strand). Cytogenetic location: 2p13.1.
Variant type: single nucleotide variant.
Coding change: c.1772A>T on transcript NM_001378454.1 (MANE Select); coding-DNA position 1772, A replaced by T.
Protein change: p.Asp591Val; replaces aspartic acid 591 with valine.
Molecular consequence: missense variant.
Genome position (GRCh38, 1-based): chr2:73,448,299, A>T. VCF-style: chr2-73448299-A-T. GRCh37 (hg19) VCF-style: chr2-73675426-A-T.
Other names: c.1775A>T, p.Asp592Val (NM_015120.4); short protein forms D591V, D592V.
Identifiers: ClinVar variation 1302275 (VCV001302275.8), dbSNP rs541118531, ClinGen allele CA50391131.